The following is an entry in ClinVar:

ClinVar aggregate classification (germline): Benign (0 of 4 stars; one submission).

Conditions:
KDM2B-related disorder. Also called: KDM2B-related condition.

Allele frequency attached by ClinVar (database versions not stated): gnomAD 0.34336; ExAC 0.38333; TOPMed 0.32945; 1000 Genomes Project 30x 0.33073; 1000 Genomes Project 0.33446; ESP Exome Variant Server 0.31599.
gnomAD v4.1: 620,548 of 1,613,502 alleles (38%); highest among the groups gnomAD compares: Admixed American, 44%; 122,599 homozygotes.

Submission:

PreventionGenetics, part of Exact Sciences
Classification: Benign for KDM2B-related condition. Last evaluated: 2019-10-18. Review status: no assertion criteria provided. Collection method: clinical testing. Allele origin: germline.
Comment: This variant is classified as benign based on ACMG/AMP sequence variant interpretation guidelines (Richards et al. 2015 PMID: 25741868, with internal and published modifications).

NM_032590.5(KDM2B):c.3570G>A (p.Gln1190=)

Gene: KDM2B (lysine demethylase 2B; minus strand). Cytogenetic location: 12q24.31.
Variant type: single nucleotide variant.
Coding change: c.3570G>A on transcript NM_032590.5 (MANE Select); coding-DNA position 3570, G replaced by A.
Protein change: p.Gln1190=; no amino-acid change (glutamine 1190 retained).
Molecular consequence: synonymous variant.
Genome position (GRCh38, 1-based): chr12:121,440,856, C>T on the plus strand (G>A on the coding strand, the complement: KDM2B is on the minus strand). VCF-style: chr12-121440856-C-T. GRCh37 (hg19) VCF-style: chr12-121878659-C-T.
Other names: c.3363G>A, p.Gln1121= (NM_001005366.2).
Identifiers: ClinVar variation 3060938 (VCV003060938.2), dbSNP rs1064951, ClinGen allele CA6836192.